The following is an entry in ClinVar:

NM_000038.6(APC):c.3249T>G (p.Asp1083Glu)

Gene: APC (APC regulator of Wnt signaling pathway; plus strand). Cytogenetic location: 5q22.2.
Variant type: single nucleotide variant.
Coding change: c.3249T>G on transcript NM_000038.6 (MANE Select); coding-DNA position 3249, T replaced by G.
Protein change: p.Asp1083Glu; replaces aspartic acid 1083 with glutamic acid.
Molecular consequence: missense variant.
Genome position (GRCh38, 1-based): chr5:112,838,843, T>G. VCF-style: chr5-112838843-T-G. GRCh37 (hg19) VCF-style: chr5-112174540-T-G.
Other names: c.3249T>G, p.Asp1083Glu (NM_001127510.3, NM_001354895.2); c.3195T>G, p.Asp1065Glu (NM_001127511.3); c.3303T>G, p.Asp1101Glu (NM_001354896.2); c.3279T>G, p.Asp1093Glu (NM_001354897.2); c.3174T>G, p.Asp1058Glu (NM_001354898.2); c.3165T>G, p.Asp1055Glu (NM_001354899.2); c.3126T>G, p.Asp1042Glu (NM_001354900.2); c.3072T>G, p.Asp1024Glu (NM_001354901.2); and 5 more; short protein forms D1083E, D1065E, D1024E, D1101E, D923E, D1055E, D1058E, D800E.
Identifiers: ClinVar variation 41525 (VCV000041525.33), dbSNP rs201629780, ClinGen allele CA008185.

ClinVar aggregate classification (germline): Benign/Likely benign. Review status: criteria provided, multiple submitters, no conflicts (2 of 4 stars). 13 submissions from 13 submitters: Benign (6); Likely benign (5). 2 of the submissions do not count toward it. Last evaluated 2026-01-19.

Conditions:
APC-Associated Polyposis Disorders.
Hereditary cancer-predisposing syndrome. Also called: Tumor predisposition; Neoplastic Syndromes, Hereditary; Hereditary neoplastic syndrome; Hereditary Cancer Syndrome. Identifiers: Orphanet 140162, MedGen C0027672, MeSH D009386, MONDO:0015356.
Familial adenomatous polyposis 1 (FAP1). Also called: FAMILIAL ADENOMATOUS POLYPOSIS 1, ATTENUATED; POLYPOSIS, ADENOMATOUS INTESTINAL. Identifiers: MedGen C2713442, MONDO:0021056, OMIM 175100. Disease mechanism: loss of function.

Allele frequency attached by ClinVar (database versions not stated): ExAC 0.00013; gnomAD exomes 0.00015 and 0.00024; gnomAD 0.00019; TOPMed 0.00019; ESP Exome Variant Server 0.00023.
gnomAD v4.1: 396 of 1,614,166 alleles (0.025%); highest among the groups gnomAD compares: Non-Finnish European, 0.028%; no homozygotes.

Submissions (13):

Labcorp Genetics (formerly Invitae), Labcorp
Classification: Benign for Familial adenomatous polyposis 1. Last evaluated: 2026-01-19. Review status: criteria provided, single submitter. Criteria: Invitae Variant Classification Sherloc (09022015). Collection method: clinical testing. Allele origin: germline.

Myriad Genetics, Inc.
Classification: Likely benign for Familial adenomatous polyposis 1. Last evaluated: 2025-01-29. Review status: criteria provided, single submitter. Criteria: Myriad Autosomal Dominant, Autosomal Recessive and X-Linked Classification Criteria (2023). Collection method: clinical testing. Allele origin: unknown.
Comment: This variant is considered likely benign. This variant has been observed at a population frequency that is significantly greater than expected given the associated disease prevalence and penetrance.

Blueprint Genetics
Classification: Likely benign. Last evaluated: 2024-09-24. Review status: criteria provided, single submitter. Criteria: ACMG Guidelines, 2015. Collection method: clinical testing. Allele origin: germline.

Color Diagnostics, LLC DBA Color Health
Classification: Benign for Hereditary cancer-predisposing syndrome. Last evaluated: 2024-09-17. Review status: criteria provided, single submitter. Criteria: ACMG Guidelines, 2015. Collection method: clinical testing. Allele origin: germline.

Quest Diagnostics Nichols Institute San Juan Capistrano
Classification: Benign. Last evaluated: 2022-08-09. Review status: criteria provided, single submitter. Criteria: Quest Diagnostics criteria. Collection method: clinical testing. Allele origin: unknown.

Sema4
Classification: Benign for Hereditary cancer-predisposing syndrome. Last evaluated: 2021-05-28. Review status: criteria provided, single submitter. Criteria: Sema4 Curation Guidelines. Collection method: curation. Allele origin: germline.

GeneDx
Classification: Likely benign. Last evaluated: 2021-02-03. Review status: criteria provided, single submitter. Criteria: GeneDx Variant Classification Process June 2021. Collection method: clinical testing. Allele origin: germline. Affected: yes.
Comment: In silico analysis, which includes protein predictors and evolutionary conservation, supports that this variant does not alter protein structure/function; This variant is associated with the following publications: (PMID: 25722345, 25203624, 22703879, 24599579, 12093899, 28051113, 27882345, 7562975)

Illumina Laboratory Services, Illumina
Classification: Likely benign for APC-Associated Polyposis Disorders. Last evaluated: 2018-01-13. Review status: criteria provided, single submitter. Criteria: ICSL Variant Classification Criteria 13 December 2019. Collection method: clinical testing. Allele origin: germline.
Comment: This variant was observed in the ICSL laboratory as part of a predisposition screen in an ostensibly healthy population. It had not been previously curated by ICSL or reported in the Human Gene Mutation Database (HGMD: prior to June 1st, 2018), and was therefore a candidate for classification through an automated scoring system. Utilizing variant allele frequency, disease prevalence and penetrance estimates, and inheritance mode, an automated score was calculated to assess if this variant is too frequent to cause the disease. Based on the score and internal cut-off values, a variant classified as likely benign is not then subjected to further curation. The score for this variant resulted in a classification of likely benign for this disease.

PreventionGenetics, part of Exact Sciences
Classification: Likely benign. Last evaluated: 2017-05-15. Review status: criteria provided, single submitter. Criteria: ACMG Guidelines, 2015. Collection method: clinical testing. Allele origin: germline.

Women's Health and Genetics/Laboratory Corporation of America, LabCorp
Classification: Benign. Last evaluated: 2016-05-16. Review status: criteria provided, single submitter. Criteria: LabCorp Variant Classification Summary - May 2015. Collection method: clinical testing. Allele origin: germline.
Comment: Variant summary: The APC c.3249T>G (p.Asp1083Glu) variant involves the alteration of a non-conserved nucleotide. 4/4 in silico tools predict a benign outcome for this variant (SNPs&GO not captured due to low reliability index). It does not lie in a known MCR (mutation cluster region) located at exon 15 where pathogenic variants are clustered (PMIDs 1338904 and 18387968). This variant was found in 17/121710 control chromosomes, predominantly observed in the European (Non-Finnish) subpopulation at a frequency of 0.0002413 (16/66310). This frequency is about 3 times the estimated maximal expected allele frequency of a pathogenic APC variant (0.0000714), suggesting this is likely a benign polymorphism found primarily in the populations of European (Non-Finnish) origin. In a FAP family reported in literature, it was found in affected as well as unaffected members suggesting that it is unlikely to cause disease in the family (Gayther_1995). In addition, it was also found to co-occur with another pathogenic variant c.1312+3A>G in one sample reported n UMD database, further supporting a benign outcome. A diagnostic center and a reputable database have classified this variant as likely benign/benign. Taken together, this variant has been classified as Benign.

Ambry Genetics
Classification: Benign for Hereditary cancer-predisposing syndrome. Last evaluated: 2015-11-27. Review status: criteria provided, single submitter. Criteria: Ambry Variant Classification Scheme 2023. Collection method: clinical testing. Allele origin: germline.

Biesecker Lab/Clinical Genomics Section, National Institutes of Health
Classification: Uncertain significance. Last evaluated: 2012-07-13. Review status: no assertion criteria provided. Collection method: research. Allele origin: germline. Affected: no. Observed: 1 variant allele. Study: ClinSeq. Not counted in ClinVar's aggregate classification.
ClinVar note: Converted during submission from variant of unknown significance to Uncertain significance.

Department of Pathology and Laboratory Medicine, Sinai Health System
Classification: Likely benign. Review status: no assertion criteria provided. Collection method: clinical testing. Allele origin: unknown. Affected: yes. Observed: 1 variant allele. Study: The Canadian Open Genetics Repository (COGR). Not counted in ClinVar's aggregate classification.
Comment: The p.Asp1083Glu variant was also listed in the Exome Variant Server in 3/13001 chromosomes of apparently healthy individuals. This residue is not highly conserved in mammals and computational analyses (PolyPhen-2, SIFT, AlignGVGD) do not suggest a high likelihood of impact to the protein; however, this information is not predictive enough to rule out pathogenicity. In summary, based on the above information, the clinical significance of this variant cannot be determined with certainty at this time, although we would lean towards a more benign role for this variant. This variant is classified as Predicted Benign.

Literature cited by the submitters: PubMed 7562975 (cited by Quest Diagnostics Nichols Institute San Juan Capistrano and Women's Health and Genetics/Laboratory Corporation of America, LabCorp).